The following is an entry in ClinVar:

ClinVar aggregate classification (germline): Uncertain significance (1 of 4 stars; one submission).

Allele frequency attached by ClinVar (database versions not stated): gnomAD 0.00001; TOPMed 0.00001; gnomAD exomes 0.00002 and 0.00003; ExAC 0.00004.
gnomAD v4.1: 31 of 1,612,418 alleles (0.0019%); highest among the groups gnomAD compares: South Asian, 0.0033%; no homozygotes.

Submission:

Labcorp Genetics (formerly Invitae), Labcorp
Classification: Uncertain significance. Last evaluated: 2021-06-05. Review status: criteria provided, single submitter. Criteria: Invitae Variant Classification Sherloc (09022015). Collection method: clinical testing. Allele origin: germline.
Comment: In summary, the available evidence is currently insufficient to determine the role of this variant in disease. Therefore, it has been classified as a Variant of Uncertain Significance. Algorithms developed to predict the effect of missense changes on protein structure and function output the following: SIFT: "Tolerated"; PolyPhen-2: "Benign"; Align-GVGD: "Class C0". The serine amino acid residue is found in multiple mammalian species, suggesting that this missense change does not adversely affect protein function. These predictions have not been confirmed by published functional studies and their clinical significance is uncertain. This variant has not been reported in the literature in individuals with TONSL-related conditions. This variant is present in population databases (rs767568847, ExAC 0.01%). This sequence change replaces proline with serine at codon 903 of the TONSL protein (p.Pro903Ser). The proline residue is moderately conserved and there is a moderate physicochemical difference between proline and serine.

NM_013432.5(TONSL):c.2707C>T (p.Pro903Ser)

Genes: TONSL (tonsoku like, DNA repair protein; minus strand), TONSL-AS1 (TONSL antisense RNA 1; plus strand). Cytogenetic location: 8q24.3.
Variant type: single nucleotide variant.
Coding change: c.2707C>T on transcript NM_013432.5 (MANE Select); coding-DNA position 2707, C replaced by T.
Protein change: p.Pro903Ser; replaces proline 903 with serine.
Molecular consequence: missense variant.
Genome position (GRCh38, 1-based): chr8:144,435,726, G>A on the plus strand (C>T on the coding strand, the complement: TONSL is on the minus strand). VCF-style: chr8-144435726-G-A. GRCh37 (hg19) VCF-style: chr8-145661109-G-A.
Other names: short protein forms P903S.
Identifiers: ClinVar variation 1482423 (VCV001482423.7), dbSNP rs767568847, ClinGen allele CA4942749.